The following is an entry in ClinVar:

NM_173728.4(ARHGEF15):c.36dup (p.Thr13fs)

Gene: ARHGEF15 (Rho guanine nucleotide exchange factor 15; plus strand). Cytogenetic location: 17p13.1.
Variant type: Duplication.
Coding change: c.36dup on transcript NM_173728.4 (MANE Select); coding-DNA position 36, one base duplicated (C; older notation c.36dupC).
Protein change: p.Thr13fs; shifts the reading frame from threonine 13.
Molecular consequence: frameshift variant.
Genome position (GRCh38, 1-based): chr17:8,312,075, C duplicated; the last of 6 consecutive C bases (chr17:8,312,070-8,312,075); duplicating any one gives the same sequence. VCF-style (leftmost placement, unchanged base first): chr17-8312069-A-AC. GRCh37 (hg19) VCF-style: chr17-8215387-A-AC.
Other names: c.36dup, p.Thr13fs (NM_025014.2); short protein forms T13fs.
Identifiers: ClinVar variation 4761129 (VCV004761129.1).
Genomic context (GRCh38, chr17:8,312,069, plus strand): 5'-CACCTCACTCCTTTGAAGAGCACAGAGGAAGATGTCAGCCCAGTCCCTTCCTGCAGCAAC[A>AC]CCCCCCACGCAGAAGCCCCCTCGGATCATCCGCCCCCGCCCTCCTTCTCGTTCCAGGGCT-3'

ClinVar aggregate classification (germline): Uncertain significance (1 of 4 stars; one submission).

Conditions:
Early-infantile DEE. Also called: Early infantile epileptic encephalopathy with suppression bursts; Early infantile epileptic encephalopathy; Ohtahara syndrome. Identifiers: Orphanet 1934, MedGen C0393706, MONDO:0800491.

Submission:

Labcorp Genetics (formerly Invitae), Labcorp
Classification: Uncertain significance for Early-infantile DEE. Last evaluated: 2025-09-16. Review status: criteria provided, single submitter. Criteria: Invitae Variant Classification Sherloc (09022015). Collection method: clinical testing. Allele origin: germline.
Comment: This sequence change creates a premature translational stop signal (p.Thr13Hisfs*40) in the ARHGEF15 gene. It is expected to result in an absent or disrupted protein product. However, the current clinical and genetic evidence is not sufficient to establish whether loss-of-function variants in ARHGEF15 cause disease. The frequency data for this variant in the population databases is considered unreliable, as metrics indicate poor data quality at this position in the gnomAD database. This variant has not been reported in the literature in individuals affected with ARHGEF15-related conditions. In summary, the available evidence is currently insufficient to determine the role of this variant in disease. Therefore, it has been classified as a Variant of Uncertain Significance.